The following is an entry in ClinVar:

ClinVar aggregate classification (germline): Likely pathogenic (1 of 4 stars; one submission).

Conditions:
Vitamin D-dependent rickets, type 1A. Also called: VITAMIN D HYDROXYLATION-DEFICIENT RICKETS, TYPE 1A; PDDR IA; PSEUDOVITAMIN D-DEFICIENCY RICKETS, TYPE IA. Identifiers: MedGen CN283242, MONDO:0020723, OMIM 264700.

Submission:

Laboratory of Cyto-molecular Genetics, Department of Anatomy, All India Institute of Medical Sciences (AIIMS), New Delhi
Classification: Likely pathogenic for Vitamin D-dependent rickets, type 1A. Last evaluated: 2022-03-07. Review status: criteria provided, single submitter. Criteria: ACMG Guidelines, 2015. Collection method: clinical testing. Allele origin: germline. Affected: yes. Observed: 3 variant alleles.
Comment: p.(Cys411Tyr), missense variant

Literature cited by the submitters: PubMed 35738466.

NM_000785.4(CYP27B1):c.1232G>A (p.Cys411Tyr)

Gene: CYP27B1 (cytochrome P450 family 27 subfamily B member 1; minus strand). Cytogenetic location: 12q14.1.
Variant type: single nucleotide variant.
Coding change: c.1232G>A on transcript NM_000785.4 (MANE Select); coding-DNA position 1232, G replaced by A.
Protein change: p.Cys411Tyr; replaces cysteine 411 with tyrosine.
Molecular consequence: missense variant.
Genome position (GRCh38, 1-based): chr12:57,763,792, C>T on the plus strand (G>A on the coding strand, the complement: CYP27B1 is on the minus strand). VCF-style: chr12-57763792-C-T. GRCh37 (hg19) VCF-style: chr12-58157575-C-T.
Other names: short protein forms C411Y.
Identifiers: ClinVar variation 1343091 (VCV001343091.3), dbSNP rs2140396224, ClinGen allele CA385501225.